The following is an entry in ClinVar:

NM_030665.4(RAI1):c.5547G>T (p.Met1849Ile)

Gene: RAI1 (retinoic acid induced 1; plus strand). Cytogenetic location: 17p11.2.
Variant type: single nucleotide variant.
Coding change: c.5547G>T on transcript NM_030665.4 (MANE Select); coding-DNA position 5547, G replaced by T.
Protein change: p.Met1849Ile; replaces methionine 1849 with isoleucine.
Molecular consequence: missense variant.
Genome position (GRCh38, 1-based): chr17:17,798,495, G>T. VCF-style: chr17-17798495-G-T. GRCh37 (hg19) VCF-style: chr17-17701809-G-T.
Other names: short protein forms M1849I.
Identifiers: ClinVar variation 4085644 (VCV004085644.8).

ClinVar aggregate classification (germline): Uncertain significance (1 of 4 stars; one submission).

Submission:

CeGaT Center for Human Genetics Tuebingen
Classification: Uncertain significance. Last evaluated: 2025-08-01. Review status: criteria provided, single submitter. Criteria: CeGaT Center For Human Genetics Tuebingen Variant Classification Criteria Version 2. Collection method: clinical testing. Allele origin: germline. Affected: yes. Observed: 1 variant allele.
Comment: RAI1: PM2, BP4